The following is an entry in ClinVar:

ClinVar aggregate classification (germline): Uncertain significance. Review status: criteria provided, multiple submitters, no conflicts (2 of 4 stars). 5 submissions from 5 submitters: Uncertain significance (4). 1 of the submissions does not count toward it. Last evaluated 2025-10-06.

Conditions:
Hereditary cancer-predisposing syndrome. Also called: Neoplastic Syndromes, Hereditary; Tumor predisposition; Hereditary Cancer Syndrome; Hereditary neoplastic syndrome. Identifiers: Orphanet 140162, MedGen C0027672, MeSH D009386, MONDO:0015356.
Fanconi anemia (FA). Also called: Fanconi's anemia. Identifiers: Orphanet 84, MedGen C0015625, MeSH D005199, MONDO:0019391.
Fanconi anemia complementation group C (FANCC). Also called: Fanconi anemia, group C; FANCC-Related Fanconi Anemia; FANCONI PANCYTOPENIA, TYPE 3; FACC. Identifiers: Orphanet 84, MedGen C3468041, MONDO:0009213, OMIM 227645.

Allele frequency attached by ClinVar (database versions not stated): TOPMed 0.00001.
gnomAD v4.1: 4 of 1,604,746 alleles (0.00025%); highest among the groups gnomAD compares: Non-Finnish European, 0.00034%; no homozygotes.

Submissions (5):

Ambry Genetics
Classification: Uncertain significance for Hereditary cancer-predisposing syndrome. Last evaluated: 2025-10-06. Review status: criteria provided, single submitter. Criteria: Ambry Variant Classification Scheme 2023. Collection method: clinical testing. Allele origin: germline.
Comment: The p.E225K variant (also known as c.673G>A), located in coding exon 6 of the FANCC gene, results from a G to A substitution at nucleotide position 673. The glutamic acid at codon 225 is replaced by lysine, an amino acid with similar properties. This amino acid position is highly conserved in available vertebrate species. In addition, this alteration is predicted to be tolerated by in silico analysis. Since supporting evidence is limited at this time, the clinical significance of this alteration remains unclear.

Labcorp Genetics (formerly Invitae), Labcorp
Classification: Uncertain significance for Fanconi anemia. Last evaluated: 2025-02-25. Review status: criteria provided, single submitter. Criteria: Invitae Variant Classification Sherloc (09022015). Collection method: clinical testing. Allele origin: germline.
Comment: This sequence change replaces glutamic acid, which is acidic and polar, with lysine, which is basic and polar, at codon 225 of the FANCC protein (p.Glu225Lys). This variant is not present in population databases (gnomAD no frequency). This variant has not been reported in the literature in individuals affected with FANCC-related conditions. ClinVar contains an entry for this variant (Variation ID: 456166). Invitae Evidence Modeling of protein sequence and biophysical properties (such as structural, functional, and spatial information, amino acid conservation, physicochemical variation, residue mobility, and thermodynamic stability) indicates that this missense variant is not expected to disrupt FANCC protein function with a negative predictive value of 80%. In summary, the available evidence is currently insufficient to determine the role of this variant in disease. Therefore, it has been classified as a Variant of Uncertain Significance.

GeneDx
Classification: Uncertain significance. Last evaluated: 2022-08-31. Review status: criteria provided, single submitter. Criteria: GeneDx Variant Classification Process June 2021. Collection method: clinical testing. Allele origin: germline. Affected: yes.
Comment: Not observed at significant frequency in large population cohorts (gnomAD); In silico analysis supports that this missense variant does not alter protein structure/function; Has not been previously published as pathogenic or benign to our knowledge; This variant is associated with the following publications: (PMID: Gordon2000[Book], 31747416)

Fulgent Genetics
Classification: Uncertain significance for Fanconi anemia complementation group C. Last evaluated: 2022-01-27. Review status: criteria provided, single submitter. Criteria: ACMG Guidelines, 2015. Collection method: clinical testing. Allele origin: unknown.

Natera, Inc.
Classification: Uncertain significance for Fanconi anemia. Last evaluated: 2021-02-18. Review status: no assertion criteria provided. Collection method: clinical testing. Allele origin: germline. Not counted in ClinVar's aggregate classification.

NM_000136.3(FANCC):c.673G>A (p.Glu225Lys)

Genes: AOPEP (aminopeptidase O (putative); plus strand), FANCC (FA complementation group C; minus strand). Cytogenetic location: 9q22.32.
Variant type: single nucleotide variant.
Coding change: c.673G>A on transcript NM_000136.3 (MANE Select); coding-DNA position 673, G replaced by A.
Protein change: p.Glu225Lys; replaces glutamic acid 225 with lysine.
Molecular consequence: missense variant.
Genome position (GRCh38, 1-based): chr9:95,149,936, C>T on the plus strand (G>A on the coding strand, the complement: FANCC is on the minus strand). VCF-style: chr9-95149936-C-T. GRCh37 (hg19) VCF-style: chr9-97912218-C-T.
Other names: c.673G>A, p.Glu225Lys (NM_001243743.2, NM_001243744.2); short protein forms E225K.
Identifiers: ClinVar variation 456166 (VCV000456166.13), dbSNP rs374176091, ClinGen allele CA5137673.